The following is an entry in ClinVar:

NM_001271938.2(MEGF8):c.2843C>G (p.Pro948Arg)

Gene: MEGF8 (multiple EGF like domains 8; plus strand). Cytogenetic location: 19q13.2.
Variant type: single nucleotide variant.
Coding change: c.2843C>G on transcript NM_001271938.2 (MANE Select); coding-DNA position 2843, C replaced by G.
Protein change: p.Pro948Arg; replaces proline 948 with arginine.
Molecular consequence: missense variant.
Genome position (GRCh38, 1-based): chr19:42,351,322, C>G. VCF-style: chr19-42351322-C-G. GRCh37 (hg19) VCF-style: chr19-42855474-C-G.
Other names: c.2642C>G, p.Pro881Arg (NM_001410.3); short protein forms P881R, P948R.
Identifiers: ClinVar variation 1030393 (VCV001030393.3), dbSNP rs771693018, ClinGen allele CA9474816.

ClinVar aggregate classification (germline): Uncertain significance. Review status: criteria provided, multiple submitters, no conflicts (2 of 4 stars). 3 submissions from 3 submitters: Uncertain significance (3). Last evaluated 2025-10-13.

Conditions:
MEGF8-related Carpenter syndrome. Also called: Carpenter syndrome 2. Identifiers: Orphanet 65759, MedGen C3554247, MONDO:0013998, OMIM 614976.
Inborn genetic diseases. Identifiers: MedGen C0950123, MeSH D030342.

Allele frequency attached by ClinVar (database versions not stated): ExAC 0.00004.

Submissions (3):

Labcorp Genetics (formerly Invitae), Labcorp
Classification: Uncertain significance for MEGF8-related Carpenter syndrome. Last evaluated: 2025-10-13. Review status: criteria provided, single submitter. Criteria: Invitae Variant Classification Sherloc (09022015). Collection method: clinical testing. Allele origin: germline.
Comment: This sequence change replaces proline, which is neutral and non-polar, with arginine, which is basic and polar, at codon 881 of the MEGF8 protein (p.Pro881Arg). This variant is present in population databases (rs771693018, gnomAD 0.01%). This variant has not been reported in the literature in individuals affected with MEGF8-related conditions. ClinVar contains an entry for this variant (Variation ID: 1030393). An algorithm developed to predict the effect of missense changes on protein structure and function (PolyPhen-2) suggests that this variant is likely to be tolerated. In summary, the available evidence is currently insufficient to determine the role of this variant in disease. Therefore, it has been classified as a Variant of Uncertain Significance.

Ambry Genetics
Classification: Uncertain significance for Inborn genetic diseases. Last evaluated: 2025-08-29. Review status: criteria provided, single submitter. Criteria: Ambry Variant Classification Scheme 2023. Collection method: clinical testing. Allele origin: germline.

Baylor Genetics
Classification: Uncertain significance for MEGF8-related Carpenter syndrome. Last evaluated: 2020-01-27. Review status: criteria provided, single submitter. Criteria: ACMG Guidelines, 2015. Collection method: clinical testing. Allele origin: unknown. Affected: yes.
Comment: This variant was determined to be of uncertain significance according to ACMG Guidelines, 2015 [PMID:25741868].